The following is an entry in ClinVar:

ClinVar aggregate classification (germline): Uncertain significance. Review status: criteria provided, multiple submitters, no conflicts (2 of 4 stars). 5 submissions from 5 submitters: Uncertain significance (5). Last evaluated 2026-01-26.

Conditions:
Tumor predisposition syndrome 3 (TPDS3). Also called: Melanoma, cutaneous malignant, susceptibility to, 10; LONG TELOMERE SYNDROME, POT1-RELATED; POT1 Tumor Predisposition; Glioma susceptibility 9. Identifiers: Orphanet 618, MedGen C4014476, MONDO:0014368, OMIM 615848.
Hereditary cancer-predisposing syndrome. Also called: Tumor predisposition; Neoplastic Syndromes, Hereditary; Hereditary Cancer Syndrome; Hereditary neoplastic syndrome. Identifiers: Orphanet 140162, MedGen C0027672, MeSH D009386, MONDO:0015356.

Allele frequency attached by ClinVar (database versions not stated): gnomAD exomes below 0.00001; TOPMed 0.00003.
gnomAD v4.1: 3 of 1,592,568 alleles (0.00019%); highest among the groups gnomAD compares: African/African-American, 0.004%; no homozygotes.

Submissions (5):

Labcorp Genetics (formerly Invitae), Labcorp
Classification: Uncertain significance for Tumor predisposition syndrome 3. Last evaluated: 2026-01-26. Review status: criteria provided, single submitter. Criteria: Invitae Variant Classification Sherloc (09022015). Collection method: clinical testing. Allele origin: germline.
Comment: This sequence change replaces tryptophan, which is neutral and slightly polar, with leucine, which is neutral and non-polar, at codon 602 of the POT1 protein (p.Trp602Leu). This variant is not present in population databases (gnomAD no frequency). This variant has not been reported in the literature in individuals affected with POT1-related conditions. ClinVar contains an entry for this variant (Variation ID: 1473350). Invitae Evidence Modeling of protein sequence and biophysical properties (such as structural, functional, and spatial information, amino acid conservation, physicochemical variation, residue mobility, and thermodynamic stability) indicates that this missense variant is not expected to disrupt POT1 protein function with a negative predictive value of 80%. In summary, the available evidence is currently insufficient to determine the role of this variant in disease. Therefore, it has been classified as a Variant of Uncertain Significance.

Ambry Genetics
Classification: Uncertain significance for Hereditary cancer-predisposing syndrome. Last evaluated: 2025-04-18. Review status: criteria provided, single submitter. Criteria: Ambry Variant Classification Scheme 2023. Collection method: clinical testing. Allele origin: germline.
Comment: The p.W602L variant (also known as c.1805G>T), located in coding exon 15 of the POT1 gene, results from a G to T substitution at nucleotide position 1805. The tryptophan at codon 602 is replaced by leucine, an amino acid with similar properties. This amino acid position is highly conserved in available vertebrate species. In addition, this alteration is predicted to be deleterious by in silico analysis. Since supporting evidence is limited at this time, the clinical significance of this alteration remains unclear.

Quest Diagnostics Nichols Institute San Juan Capistrano
Classification: Uncertain significance. Last evaluated: 2024-10-16. Review status: criteria provided, single submitter. Criteria: Quest Diagnostics criteria. Collection method: clinical testing. Allele origin: unknown.
Comment: The POT1 c.1805G>T (p.Trp602Leu) variant has not been reported in individuals with POT1-related conditions in the published literature. It also has not been reported in large, multi-ethnic general populations (Genome Aggregation Database). Analysis of this variant using bioinformatics tools for the prediction of the effect of amino acid changes on protein structure and function yielded conflicting predictions that this variant is benign or damaging. Based on the available information, we are unable to determine the clinical significance of this variant.

GeneDx
Classification: Uncertain significance. Last evaluated: 2023-07-14. Review status: criteria provided, single submitter. Criteria: GeneDx Variant Classification Process June 2021. Collection method: clinical testing. Allele origin: germline. Affected: yes.
Comment: Not observed at significant frequency in large population cohorts (gnomAD); In silico analysis supports that this missense variant has a deleterious effect on protein structure/function; Has not been previously published as pathogenic or benign to our knowledge; This variant is associated with the following publications: (PMID: 28393830)

Sema4
Classification: Uncertain significance for Hereditary cancer-predisposing syndrome. Last evaluated: 2022-02-27. Review status: criteria provided, single submitter. Criteria: Sema4 Curation Guidelines. Collection method: curation. Allele origin: germline.
Comment: The POT1 c.1805G>T(p.W602L) variant has not been reported in the literature to our knowledge. This variant is not reported in the population database Genome Aggregation Database (PMID: 32461654). The variant has not been reported in ClinVar. Functional studies have not been performed, and in silico predictions of the variant's effect on protein function are inconclusive. The evidence is insufficient to meet ACMG/AMP criteria for classifying the variant as benign or pathogenic. Thus, the clinical significance of this variant is currently uncertain.

NM_015450.3(POT1):c.1805G>T (p.Trp602Leu)

Gene: POT1 (protection of telomeres 1; minus strand). Cytogenetic location: 7q31.33.
Variant type: single nucleotide variant.
Coding change: c.1805G>T on transcript NM_015450.3 (MANE Select); coding-DNA position 1805, G replaced by T.
Protein change: p.Trp602Leu; replaces tryptophan 602 with leucine.
Molecular consequence: missense variant. On other transcripts: non-coding transcript variant (3).
Genome position (GRCh38, 1-based): chr7:124,824,062, C>A on the plus strand (G>T on the coding strand, the complement: POT1 is on the minus strand). VCF-style: chr7-124824062-C-A. GRCh37 (hg19) VCF-style: chr7-124464116-C-A.
Other names: c.1412G>T, p.Trp471Leu (NM_001042594.2); short protein forms W471L, W602L.
Identifiers: ClinVar variation 1473350 (VCV001473350.17), dbSNP rs996577534, ClinGen allele CA166092040.